The following is an entry in ClinVar:

NM_001370298.3(FGD4):c.1562C>T (p.Ser521Phe)

Gene: FGD4 (FYVE, RhoGEF and PH domain containing 4; plus strand). Cytogenetic location: 12p11.21.
Variant type: single nucleotide variant.
Coding change: c.1562C>T on transcript NM_001370298.3 (MANE Select); coding-DNA position 1562, C replaced by T.
Protein change: p.Ser521Phe; replaces serine 521 with phenylalanine.
Molecular consequence: missense variant.
Genome position (GRCh38, 1-based): chr12:32,610,794, C>T. VCF-style: chr12-32610794-C-T. GRCh37 (hg19) VCF-style: chr12-32763728-C-T.
Other names: c.1406C>T, p.Ser469Phe (NM_001304481.2); c.407C>T, p.Ser136Phe (NM_001304483.2); c.119C>T, p.Ser40Phe (NM_001304484.2); c.872C>T, p.Ser291Phe (NM_001330373.2, NM_001330374.2, NM_001384130.1); c.599C>T, p.Ser200Phe (NM_001370297.1); c.1562C>T, p.Ser521Phe (NM_001384126.1); c.1151C>T, p.Ser384Phe (NM_001384127.1, NM_001384128.1, NM_001385118.1 and 1 more transcripts); short protein forms S136F, S200F, S291F, S384F, S40F, S469F, S521F.
Identifiers: ClinVar variation 1018344 (VCV001018344.8), dbSNP rs1949089197, ClinGen allele CA384360831.

ClinVar aggregate classification (germline): Uncertain significance (1 of 4 stars; one submission).

Conditions:
Charcot-Marie-Tooth disease type 4. Also called: Charcot-Marie-Tooth, Type 4; Charcot-Marie-Tooth disease, type IV. Identifiers: Orphanet 64749, MedGen C4082197, MONDO:0018995.

Submission:

Labcorp Genetics (formerly Invitae), Labcorp
Classification: Uncertain significance for Charcot-Marie-Tooth disease type 4. Last evaluated: 2022-06-20. Review status: criteria provided, single submitter. Criteria: Invitae Variant Classification Sherloc (09022015). Collection method: clinical testing. Allele origin: germline.
Comment: Algorithms developed to predict the effect of missense changes on protein structure and function (SIFT, PolyPhen-2, Align-GVGD) all suggest that this variant is likely to be disruptive. ClinVar contains an entry for this variant (Variation ID: 1018344). This variant has not been reported in the literature in individuals affected with FGD4-related conditions. This variant is not present in population databases (gnomAD no frequency). This sequence change replaces serine, which is neutral and polar, with phenylalanine, which is neutral and non-polar, at codon 384 of the FGD4 protein (p.Ser384Phe). In summary, the available evidence is currently insufficient to determine the role of this variant in disease. Therefore, it has been classified as a Variant of Uncertain Significance.